The following is an entry in ClinVar:

ClinVar aggregate classification (germline): Likely pathogenic. Review status: criteria provided, multiple submitters, no conflicts (2 of 4 stars). 5 submissions from 5 submitters: Likely pathogenic (5). Last evaluated 2026-09-01.

Conditions:
Tibial muscular dystrophy (TMD). Also called: UDD MYOPATHY; Tibial muscular dystrophy, tardive; Udd Distal Myopathy – Tibial Muscular Dystrophy. Identifiers: Orphanet 609, MedGen C1838244, MONDO:0010870, OMIM 600334.
Dilated cardiomyopathy 1G (CMD1G). Identifiers: Orphanet 154, MedGen C1858763, MONDO:0011400, OMIM 604145.
Hypertrophic cardiomyopathy 9. Also called: Familial hypertrophic cardiomyopathy 9. Identifiers: MedGen C1861065, MONDO:0013412, OMIM 613765.
Early-onset myopathy with fatal cardiomyopathy (CMYO5). Also called: CONGENITAL MYOPATHY 5 WITH CARDIOMYOPATHY; Salih Myopathy. Identifiers: Orphanet 289377, MedGen C2673677, MONDO:0012714, OMIM 611705. Disease mechanism: loss of function.
Autosomal recessive limb-girdle muscular dystrophy type 2J (LGMDR10). Also called: Limb-girdle muscular dystrophy, type 2J; MUSCULAR DYSTROPHY, LIMB-GIRDLE, AUTOSOMAL RECESSIVE 10. Identifiers: Orphanet 140922, MedGen C1837342, MONDO:0012127, OMIM 608807.
Myopathy, myofibrillar, 9, with early respiratory failure (MFM9). Also called: Hereditary myopathy with early respiratory failure; Myopathy, distal, with early respiratory failure, autosomal dominant; EDSTROM MYOPATHY; MYOPATHY, PROXIMAL, WITH EARLY RESPIRATORY MUSCLE INVOLVEMENT. Identifiers: Orphanet 178464, Orphanet 34521, MedGen C1863599, MONDO:0011362, OMIM 603689.
Left ventricular noncompaction cardiomyopathy. Also called: left ventricular non-compaction cardiomyopathy. Identifiers: MedGen C4021133, HP:0011664.

Allele frequency attached by ClinVar (database versions not stated): gnomAD 0.00001; TOPMed 0.00001.
gnomAD v4.1: 6 of 1,613,768 alleles (0.00037%); highest among the groups gnomAD compares: East Asian, 0.0022%; no homozygotes.

Submissions (5):

CeGaT Center for Human Genetics Tuebingen
Classification: Likely pathogenic. Last evaluated: 2026-09-01. Review status: criteria provided, single submitter. Criteria: CeGaT Center For Human Genetics Tuebingen Variant Classification Criteria Version 2. Collection method: clinical testing. Allele origin: germline. Affected: yes. Observed: 1 variant allele.
Comment: TTN: PVS1:Strong, PM2, PS4:Moderate

Labcorp Genetics (formerly Invitae), Labcorp
Classification: Likely pathogenic for Dilated cardiomyopathy 1G; Autosomal recessive limb-girdle muscular dystrophy type 2J. Last evaluated: 2025-08-24. Review status: criteria provided, single submitter. Criteria: Invitae Variant Classification Sherloc (09022015). Collection method: clinical testing. Allele origin: germline.
Comment: This sequence change creates a premature translational stop signal (p.Arg35762*) in the TTN gene. While this is not anticipated to result in nonsense mediated decay, it is expected to create a truncated TTN protein. This variant is not present in population databases (gnomAD no frequency). This premature translational stop signal has been observed in individual(s) with clinical features of TTN-related cardiomyopathies (PMID: 34540771, 36264615). ClinVar contains an entry for this variant (Variation ID: 640886). This variant is located in the M band of TTN (PMID: 25589632). Truncating variants in this region have been previously reported in individuals affected with autosomal dominant or autosomal recessive myopathy and muscular dystrophy (PMID: 18948003, 23975875, 24395473). Truncating variants in this region have also been identified in individuals affected with autosomal dominant dilated cardiomyopathy and/or cardio-related conditions (PMID: 27869827, 32964742, internal data). In summary, the currently available evidence indicates that the variant is pathogenic, but additional data are needed to prove that conclusively. Therefore, this variant has been classified as Likely Pathogenic.

GeneDx
Classification: Likely pathogenic. Last evaluated: 2025-01-07. Review status: criteria provided, single submitter. Criteria: GeneDx Variant Classification Process June 2021. Collection method: clinical testing. Allele origin: germline. Affected: yes.
Comment: Nonsense variant predicted to result in protein truncation or nonsense mediated decay in a gene for which loss of function is a known mechanism of disease; Not observed at significant frequency in large population cohorts (gnomAD); Located in the M-band, a region of TTN for which truncating variants are significantly associated with autosomal recessive skeletal myopathies and also with autosomal dominant cardiomyopathy (PMID: 17444505, 32778822, 36637017); This variant is associated with the following publications: (PMID: 34540771, 38438525, 36264615, 17444505, 32778822, 36637017)

Juno Genomics, Hangzhou Juno Genomics, Inc
Classification: Likely pathogenic for Early-onset myopathy with fatal cardiomyopathy; Dilated cardiomyopathy 1G; Hypertrophic cardiomyopathy 9; Autosomal recessive limb-girdle muscular dystrophy type 2J; Myopathy, myofibrillar, 9, with early respiratory failure; Tibial muscular dystrophy. Review status: criteria provided, single submitter. Criteria: ACMG Guidelines, 2015. Collection method: clinical testing. Allele origin: germline.
Comment: Absent from controls (or at extremely low frequency if recessive) in Genome Aggregation Database.;Null variant in a gene where loss of function (LOF) is a known mechanism of disease.

Klaassen Lab, Charite University Medicine Berlin
Classification: Likely pathogenic for Left ventricular noncompaction cardiomyopathy. Review status: criteria provided, single submitter. Criteria: ACMG Guidelines, 2015. Collection method: research. Allele origin: germline. Affected: yes.

Literature cited by the submitters: PubMed 34540771 (cited by Labcorp Genetics (formerly Invitae), Labcorp and Klaassen Lab, Charite University Medicine Berlin); PubMed 36264615 (cited by Labcorp Genetics (formerly Invitae), Labcorp); PubMed 25589632 (cited by Labcorp Genetics (formerly Invitae), Labcorp); PubMed 18948003 (cited by Labcorp Genetics (formerly Invitae), Labcorp); PubMed 23975875 (cited by Labcorp Genetics (formerly Invitae), Labcorp); PubMed 24395473 (cited by Labcorp Genetics (formerly Invitae), Labcorp); PubMed 27869827 (cited by Labcorp Genetics (formerly Invitae), Labcorp); PubMed 32964742 (cited by Labcorp Genetics (formerly Invitae), Labcorp).

NM_001267550.2(TTN):c.107284C>T (p.Arg35762Ter)

Genes: TTN (titin; minus strand), TTN-AS1 (TTN antisense RNA 1; plus strand). Cytogenetic location: 2q31.2.
Variant type: single nucleotide variant.
Coding change: c.107284C>T on transcript NM_001267550.2 (MANE Select); coding-DNA position 107284, C replaced by T.
Protein change: p.Arg35762Ter; replaces arginine 35762 with a stop codon.
Molecular consequence: nonsense.
Genome position (GRCh38, 1-based): chr2:178,528,367, G>A on the plus strand (C>T on the coding strand, the complement: TTN is on the minus strand). VCF-style: chr2-178528367-G-A. GRCh37 (hg19) VCF-style: chr2-179393094-G-A.
Other names: c.102361C>T, p.Arg34121Ter (NM_001256850.1); c.80089C>T, p.Arg26697Ter (NM_003319.4); c.99580C>T, p.Arg33194Ter (NM_133378.4); c.80464C>T, p.Arg26822Ter (NM_133432.3); c.80665C>T, p.Arg26889Ter (NM_133437.4); c.107284C>T (NM_001267550.1); short protein forms R34121*, R26697*, R33194*, R26822*, R26889*, R35762*.
Identifiers: ClinVar variation 640886 (VCV000640886.17), dbSNP rs1477669354, ClinGen allele CA349401413.